The following is an entry in ClinVar:

ClinVar aggregate classification (germline): Conflicting classifications of pathogenicity. Review status: criteria provided, conflicting classifications (1 of 4 stars). 2 submissions from 2 submitters: Uncertain significance (1); Likely benign (1). Last evaluated 2024-01-19.

Allele frequency attached by ClinVar (database versions not stated): gnomAD exomes 0.00006; TOPMed 0.00006; ExAC 0.00009; gnomAD 0.00009.
gnomAD v4.1: 104 of 1,613,372 alleles (0.0064%); highest among the groups gnomAD compares: Middle Eastern, 0.083%; 1 homozygote.

Submissions (2):

Ambry Genetics
Classification: Uncertain significance. Last evaluated: 2024-01-19. Review status: criteria provided, single submitter. Criteria: Ambry Variant Classification Scheme 2023. Collection method: clinical testing. Allele origin: germline.

CeGaT Center for Human Genetics Tuebingen
Classification: Likely benign. Last evaluated: 2023-12-01. Review status: criteria provided, single submitter. Criteria: CeGaT Center For Human Genetics Tuebingen Variant Classification Criteria Version 2. Collection method: clinical testing. Allele origin: germline. Affected: yes. Observed: 2 variant alleles.
Comment: AHNAK2: BP4, BS1

NM_138420.4(AHNAK2):c.12509C>T (p.Pro4170Leu)

Gene: AHNAK2 (AHNAK nucleoprotein 2; minus strand). Cytogenetic location: 14q32.33.
Variant type: single nucleotide variant.
Coding change: c.12509C>T on transcript NM_138420.4 (MANE Select); coding-DNA position 12509, C replaced by T.
Protein change: p.Pro4170Leu; replaces proline 4170 with leucine.
Molecular consequence: missense variant.
Genome position (GRCh38, 1-based): chr14:104,942,942, G>A on the plus strand (C>T on the coding strand, the complement: AHNAK2 is on the minus strand). VCF-style: chr14-104942942-G-A. GRCh37 (hg19) VCF-style: chr14-105409279-G-A.
Other names: c.12209C>T, p.Pro4070Leu (NM_001350929.2); c.12509C>T (NM_138420.2); short protein forms P4070L, P4170L.
Identifiers: ClinVar variation 2644642 (VCV002644642.25), dbSNP rs766097494, ClinGen allele CA7378313.
Genomic context (GRCh38, chr14:104,942,942, plus strand): 5'-AGGTCGGCGGAAGGGGACTGAATGCTGAGGTCAGTGGTCTTGAGGTCCCCCTGCATGGAG[G>A]GGAGGCTCACGTCGGCTTTCGCCTTCAGCTCAGACACATCCACGGACGCCTCCATGGACT-3'
Protein context (NP_612429.2, residues 4160-4180): ELKAKADVSL[Pro4170Leu]SMQGDLKTTD